The following is an entry in ClinVar:

NM_001673.5(ASNS):c.815A>T (p.Lys272Met)

Genes: ASNS (asparagine synthetase (glutamine-hydrolyzing); minus strand), CZ1P-ASNS (CZ1P-ASNS readthrough; minus strand). Cytogenetic location: 7q21.3.
Variant type: single nucleotide variant.
Coding change: c.815A>T on transcript NM_001673.5 (MANE Select); coding-DNA position 815, A replaced by T.
Protein change: p.Lys272Met; replaces lysine 272 with methionine.
Molecular consequence: missense variant. On other transcripts: non-coding transcript variant (1).
Genome position (GRCh38, 1-based): chr7:97,858,366, T>A on the plus strand (A>T on the coding strand, the complement: ASNS is on the minus strand). VCF-style: chr7-97858366-T-A. GRCh37 (hg19) VCF-style: chr7-97487678-T-A.
Other names: c.752A>T, p.Lys251Met (NM_001178075.2); c.566A>T, p.Lys189Met (NM_001178076.2, NM_001178077.1); c.815A>T, p.Lys272Met (NM_001352496.2, NM_133436.3, NM_183356.4); short protein forms K251M, K272M, K189M.
Identifiers: ClinVar variation 2083865 (VCV002083865.4), dbSNP rs2484656488, ClinGen allele CA368267934.
Genomic context (GRCh38, chr7:97,858,366, plus strand): 5'-TCTTCCATGCCAATTGCAAATGTCTGGAGAGGATACTGTACTTGGGCTTCTTTCAGCTGC[T>A]TCAACAGAGTGGCAGCAACCAAGCTGGAGTCCAAGCCCCCTACATGCAAAAGAGGAAGTG-3'
Protein context (NP_001664.3, residues 262-282): DSSLVAATLL[Lys272Met]QLKEAQVQYP

ClinVar aggregate classification (germline): Uncertain significance (1 of 4 stars; one submission).

Allele frequency attached by ClinVar (database versions not stated): gnomAD exomes below 0.00001.
gnomAD v4.1: 1 of 1,614,160 alleles (0.000062%); highest among the groups gnomAD compares: African/African-American, 0.0013%; no homozygotes.

Submission:

Labcorp Genetics (formerly Invitae), Labcorp
Classification: Uncertain significance. Last evaluated: 2025-01-06. Review status: criteria provided, single submitter. Criteria: Invitae Variant Classification Sherloc (09022015). Collection method: clinical testing. Allele origin: germline.
Comment: This sequence change replaces lysine, which is basic and polar, with methionine, which is neutral and non-polar, at codon 272 of the ASNS protein (p.Lys272Met). This variant is not present in population databases (gnomAD no frequency). This variant has not been reported in the literature in individuals affected with ASNS-related conditions. ClinVar contains an entry for this variant (Variation ID: 2083865). Invitae Evidence Modeling of protein sequence and biophysical properties (such as structural, functional, and spatial information, amino acid conservation, physicochemical variation, residue mobility, and thermodynamic stability) indicates that this missense variant is expected to disrupt ASNS protein function with a positive predictive value of 80%. In summary, the available evidence is currently insufficient to determine the role of this variant in disease. Therefore, it has been classified as a Variant of Uncertain Significance.